The following is an entry in ClinVar:

NM_000037.4(ANK1):c.4937C>A (p.Ser1646Ter)

Gene: ANK1 (ankyrin 1; minus strand). Cytogenetic location: 8p11.21.
Variant type: single nucleotide variant.
Coding change: c.4937C>A on transcript NM_000037.4 (MANE Select); coding-DNA position 4937, C replaced by A.
Protein change: p.Ser1646Ter; replaces serine 1646 with a stop codon.
Molecular consequence: nonsense. On other transcripts: intron variant (1).
Genome position (GRCh38, 1-based): chr8:41,672,513, G>T on the plus strand (C>A on the coding strand, the complement: ANK1 is on the minus strand). VCF-style: chr8-41672513-G-T. GRCh37 (hg19) VCF-style: chr8-41530031-G-T.
Other names: c.5060C>A, p.Ser1687Ter (NM_001142446.2); c.4937C>A, p.Ser1646Ter (NM_020475.3, NM_020476.3); c.4538-87C>A (NM_020477.3); short protein forms S1646*, S1687*.
Identifiers: ClinVar variation 3717842 (VCV003717842.3).

ClinVar aggregate classification (germline): Pathogenic/Likely pathogenic. Review status: criteria provided, multiple submitters, no conflicts (2 of 4 stars). 2 submissions from 2 submitters: Pathogenic (1); Likely pathogenic (1). Last evaluated 2024-09-17.

Conditions:
ANK1-related disorder. Also called: ANK1-related condition.

Submissions (2):

Labcorp Genetics (formerly Invitae), Labcorp
Classification: Pathogenic. Last evaluated: 2024-09-17. Review status: criteria provided, single submitter. Criteria: Invitae Variant Classification Sherloc (09022015). Collection method: clinical testing. Allele origin: germline.
Comment: This sequence change creates a premature translational stop signal (p.Ser1646*) in the ANK1 gene. It is expected to result in an absent or disrupted protein product. Loss-of-function variants in ANK1 are known to be pathogenic (PMID: 8640229). This variant is not present in population databases (gnomAD no frequency). This variant has not been reported in the literature in individuals affected with ANK1-related conditions. Algorithms developed to predict the effect of sequence changes on RNA splicing suggest that this variant may create or strengthen a splice site. For these reasons, this variant has been classified as Pathogenic.

Blueprint Genetics
Classification: Likely pathogenic for ANK1-related disorders. Last evaluated: 2022-08-09. Review status: criteria provided, single submitter. Criteria: ACMG Guidelines, 2015. Collection method: clinical testing. Allele origin: germline. Affected: yes. Observed: 1 variant allele.

Literature cited by the submitters: PubMed 8640229 (cited by Labcorp Genetics (formerly Invitae), Labcorp).